The following is an entry in ClinVar:

ClinVar aggregate classification (germline): Pathogenic/Likely pathogenic. Review status: criteria provided, multiple submitters, no conflicts (2 of 4 stars). 2 submissions from 2 submitters: Pathogenic (1); Likely pathogenic (1). Last evaluated 2024-02-27.

Conditions:
Autosomal dominant nonsyndromic hearing loss 6 (LFSNHL). Also called: DEAFNESS, AUTOSOMAL DOMINANT 6; DEAFNESS, AUTOSOMAL DOMINANT 14; DEAFNESS, AUTOSOMAL DOMINANT 38; Autosomal dominant nonsyndromic deafness 6. Identifiers: Orphanet 90635, MedGen C1833021, MONDO:0010963, OMIM 600965.
Wolfram-like syndrome. Also called: HEARING LOSS, PROGRESSIVE, WITH OPTIC ATROPHY AND/OR IMPAIRED GLUCOSE REGULATION. Identifiers: Orphanet 411590, MedGen C3280358, MONDO:0013673, OMIM 614296.
Cataract 41 (CTRCT41). Also called: CATARACT 41, CONGENITAL NUCLEAR TYPE. Identifiers: Orphanet 91492, Orphanet 98991, Orphanet 98992, Orphanet 98995, MedGen C3805412, MONDO:0007287, OMIM 116400.
Type 2 diabetes mellitus. Also called: Type II diabetes mellitus. Identifiers: MedGen C0011860, MeSH D003924, MONDO:0005148, OMIM 125853, HP:0005978.
Wolfram syndrome 1 (WFS1). Identifiers: Orphanet 3463, MedGen C4551693, MONDO:0009101, OMIM 222300.

Allele frequency attached by ClinVar (database versions not stated): ExAC 0.00001; gnomAD exomes 0.00001.

Submissions (2):

Fulgent Genetics
Classification: Likely pathogenic for Cataract 41; Type 2 diabetes mellitus; Wolfram syndrome 1; Autosomal dominant nonsyndromic hearing loss 6; Wolfram-like syndrome. Last evaluated: 2024-02-27. Review status: criteria provided, single submitter. Criteria: ACMG Guidelines, 2015. Collection method: clinical testing. Allele origin: germline.

Labcorp Genetics (formerly Invitae), Labcorp
Classification: Pathogenic. Last evaluated: 2023-02-20. Review status: criteria provided, single submitter. Criteria: Invitae Variant Classification Sherloc (09022015). Collection method: clinical testing. Allele origin: germline.
Comment: For these reasons, this variant has been classified as Pathogenic. This premature translational stop signal has been observed in individual(s) with Wolfram syndrome (PMID: 31313226). This variant is present in population databases (rs71530928, gnomAD 0.006%). This sequence change creates a premature translational stop signal (p.Gln215*) in the WFS1 gene. It is expected to result in an absent or disrupted protein product. Loss-of-function variants in WFS1 are known to be pathogenic (PMID: 12955714).

Literature cited by the submitters: PubMed 31313226 (cited by Labcorp Genetics (formerly Invitae), Labcorp); PubMed 12955714 (cited by Labcorp Genetics (formerly Invitae), Labcorp).

NM_006005.3(WFS1):c.643C>T (p.Gln215Ter)

Gene: WFS1 (wolframin ER transmembrane glycoprotein; plus strand). Cytogenetic location: 4p16.1.
Variant type: single nucleotide variant.
Coding change: c.643C>T on transcript NM_006005.3 (MANE Select); coding-DNA position 643, C replaced by T.
Protein change: p.Gln215Ter; replaces glutamine 215 with a stop codon.
Molecular consequence: nonsense.
Genome position (GRCh38, 1-based): chr4:6,291,928, C>T. VCF-style: chr4-6291928-C-T. GRCh37 (hg19) VCF-style: chr4-6293655-C-T.
Other names: c.643C>T, p.Gln215Ter (NM_001145853.1); short protein forms Q215*.
Identifiers: ClinVar variation 2418916 (VCV002418916.7), dbSNP rs71530928, ClinGen allele CA2838985.